The following is an entry in ClinVar:

NM_018685.5(ANLN):c.1888A>G (p.Arg630Gly)

Gene: ANLN (anillin, actin binding protein; plus strand). Cytogenetic location: 7p14.2.
Variant type: single nucleotide variant.
Coding change: c.1888A>G on transcript NM_018685.5 (MANE Select); coding-DNA position 1888, A replaced by G.
Protein change: p.Arg630Gly; replaces arginine 630 with glycine.
Molecular consequence: missense variant.
Genome position (GRCh38, 1-based): chr7:36,420,187, A>G. VCF-style: chr7-36420187-A-G. GRCh37 (hg19) VCF-style: chr7-36459796-A-G.
Other names: p.Arg630Gly; c.1888A>G (NM_018685.2); c.1777A>G, p.Arg593Gly (NM_001284301.3); c.1774A>G, p.Arg592Gly (NM_001284302.3); short protein forms R592G, R593G, R630G.
Identifiers: ClinVar variation 1365551 (VCV001365551.8), dbSNP rs369971629, ClinGen allele CA4219726.

ClinVar aggregate classification (germline): Uncertain significance. Review status: criteria provided, multiple submitters, no conflicts (2 of 4 stars). 3 submissions from 3 submitters: Uncertain significance (3). Last evaluated 2025-12-13.

Allele frequency attached by ClinVar (database versions not stated): TOPMed 0.00005; gnomAD 0.00007; ESP Exome Variant Server 0.00008; gnomAD exomes 0.00014 and 0.00016; ExAC 0.00021.
gnomAD v4.1: 230 of 1,613,916 alleles (0.014%); highest among the groups gnomAD compares: South Asian, 0.023%; no homozygotes.

Submissions (3):

Mayo Clinic Laboratories, Mayo Clinic
Classification: Uncertain significance. Last evaluated: 2025-12-13. Review status: criteria provided, single submitter. Criteria: ACMG Guidelines, 2015. Collection method: clinical testing. Allele origin: germline. Observed: 1 variant allele.
Comment: BP4_moderate

Labcorp Genetics (formerly Invitae), Labcorp
Classification: Uncertain significance. Last evaluated: 2023-12-13. Review status: criteria provided, single submitter. Criteria: Invitae Variant Classification Sherloc (09022015). Collection method: clinical testing. Allele origin: germline.
Comment: This sequence change replaces arginine, which is basic and polar, with glycine, which is neutral and non-polar, at codon 630 of the ANLN protein (p.Arg630Gly). This variant is present in population databases (rs369971629, gnomAD 0.03%). This variant has not been reported in the literature in individuals affected with ANLN-related conditions. ClinVar contains an entry for this variant (Variation ID: 1365551). Advanced modeling of protein sequence and biophysical properties (such as structural, functional, and spatial information, amino acid conservation, physicochemical variation, residue mobility, and thermodynamic stability) performed at Invitae indicates that this missense variant is not expected to disrupt ANLN protein function with a negative predictive value of 80%. In summary, the available evidence is currently insufficient to determine the role of this variant in disease. Therefore, it has been classified as a Variant of Uncertain Significance.

Ambry Genetics
Classification: Uncertain significance. Last evaluated: 2021-08-12. Review status: criteria provided, single submitter. Criteria: Ambry Variant Classification Scheme 2023. Collection method: clinical testing. Allele origin: germline.